The following is an entry in ClinVar:

ClinVar aggregate classification (germline): Conflicting classifications of pathogenicity. Review status: criteria provided, conflicting classifications (1 of 4 stars). 3 submissions from 3 submitters: Likely pathogenic (1); Uncertain significance (2). Last evaluated 2026-08-18.

Conditions:
Inborn genetic diseases. Identifiers: MedGen C0950123, MeSH D030342.
Tumor predisposition syndrome 2 (TPDS2). Also called: MBD4-ASSOCIATED NEOPLASIA SYNDROME; MBD4-Related Tumor Predisposition Syndrome; MBD4-associated neoplasia syndrome (MANS). Identifiers: Orphanet 661526, MedGen C5774186, MONDO:0859267, OMIM 619975.

Submissions (3):

Myriad Genetics, Inc.
Classification: Likely pathogenic for Tumor predisposition syndrome 2. Last evaluated: 2026-08-18. Review status: criteria provided, single submitter. Criteria: Myriad Autosomal Dominant, Autosomal Recessive and X-Linked Classification Criteria (2023). Collection method: clinical testing. Allele origin: unknown.
Comment: This variant is considered likely pathogenic. This variant creates a frameshift predicted to result in premature protein truncation.

Ambry Genetics
Classification: Uncertain significance for Inborn genetic diseases. Last evaluated: 2025-03-10. Review status: criteria provided, single submitter. Criteria: Ambry Variant Classification Scheme 2023. Collection method: clinical testing. Allele origin: germline.
Comment: The c.1676_1679delAATA variant, located in coding exon 8 of the MBD4 gene, results from a deletion of 4 nucleotides at nucleotide positions 1676 to 1679, causing a translational frameshift with a predicted alternate stop codon (p.K559Ifs*12). This alteration occurs at the 3' terminus of theMBD4 gene, is not expected to trigger nonsense-mediated mRNAdecay, and impacts the last 16 AA of the protein. The exact functional effect of this alteration is unknown. Based on the available evidence, the clinical significance of this variant remains unclear.

Labcorp Genetics (formerly Invitae), Labcorp
Classification: Uncertain significance. Last evaluated: 2024-12-12. Review status: criteria provided, single submitter. Criteria: Invitae Variant Classification Sherloc (09022015). Collection method: clinical testing. Allele origin: germline.
Comment: This sequence change creates a premature translational stop signal (p.Lys565Ilefs*12) in the MBD4 gene. While this is not anticipated to result in nonsense mediated decay, it is expected to disrupt the last 16 amino acid(s) of the MBD4 protein. This variant is not present in population databases (gnomAD no frequency). This variant has not been reported in the literature in individuals affected with MBD4-related conditions. Experimental studies and prediction algorithms are not available or were not evaluated, and the functional significance of this variant is currently unknown. In summary, the available evidence is currently insufficient to determine the role of this variant in disease. Therefore, it has been classified as a Variant of Uncertain Significance.

NM_001276270.2(MBD4):c.1676_1679del (p.Lys559fs)

Gene: MBD4 (methyl-CpG binding domain 4, DNA glycosylase; minus strand). Cytogenetic location: 3q21.3.
Variant type: Microsatellite.
Coding change: c.1676_1679del on transcript NM_001276270.2 (MANE Select); coding-DNA positions 1676 to 1679, 4 bases deleted (AATA; older notation c.1676_1679delAATA).
Protein change: p.Lys559fs; shifts the reading frame from lysine 559.
Molecular consequence: frameshift variant. On other transcripts: 3 prime UTR variant (1).
Genome position (GRCh38, 1-based): chr3:129,431,547-129,431,550, TATT deleted on the plus strand (AATA on the coding strand, the reverse complement: MBD4 is on the minus strand); deleting any 4 consecutive bases within chr3:129,431,547-129,431,556 gives the same sequence; the c. name uses the placement nearest the transcript's 3' end. VCF-style (leftmost placement, unchanged base first): chr3-129431546-ATATT-A. GRCh37 (hg19) VCF-style: chr3-129150389-ATATT-A.
Other names: c.*14AATA[1] (NM_001276272.2); c.740_743del, p.Lys247fs (NM_001276273.2); c.1694_1697del, p.Lys565fs (NM_003925.3); c.1676_1679delAATA (NM_001276270.2); short protein forms K247fs, K559fs, K565fs.
Identifiers: ClinVar variation 3675725 (VCV003675725.3).